The following is an entry in ClinVar:

NM_017491.5(WDR1):c.997G>A (p.Gly333Ser)

Gene: WDR1 (WD repeat domain 1; minus strand). Cytogenetic location: 4p16.1.
Variant type: single nucleotide variant.
Coding change: c.997G>A on transcript NM_017491.5 (MANE Select); coding-DNA position 997, G replaced by A.
Protein change: p.Gly333Ser; replaces glycine 333 with serine.
Molecular consequence: missense variant.
Genome position (GRCh38, 1-based): chr4:10,084,485, C>T on the plus strand (G>A on the coding strand, the complement: WDR1 is on the minus strand). VCF-style: chr4-10084485-C-T. GRCh37 (hg19) VCF-style: chr4-10086109-C-T.
Other names: c.577G>A, p.Gly193Ser (NM_005112.5); c.997G>A (NM_017491.3); short protein forms G193S, G333S.
Identifiers: ClinVar variation 1421117 (VCV001421117.9), dbSNP rs758001342, ClinGen allele CA2857824.

ClinVar aggregate classification (germline): Uncertain significance. Review status: criteria provided, multiple submitters, no conflicts (2 of 4 stars). 2 submissions from 2 submitters: Uncertain significance (2). Last evaluated 2024-10-24.

Conditions:
Inborn genetic diseases. Identifiers: MedGen C0950123, MeSH D030342.

Allele frequency attached by ClinVar (database versions not stated): ExAC 0.00002; gnomAD exomes 0.00002; gnomAD 0.00005; TOPMed 0.00007.
gnomAD v4.1: 31 of 1,613,750 alleles (0.0019%); highest among the groups gnomAD compares: African/African-American, 0.0053%; no homozygotes.

Submissions (2):

Labcorp Genetics (formerly Invitae), Labcorp
Classification: Uncertain significance. Last evaluated: 2024-10-24. Review status: criteria provided, single submitter. Criteria: Invitae Variant Classification Sherloc (09022015). Collection method: clinical testing. Allele origin: germline.
Comment: This sequence change replaces glycine, which is neutral and non-polar, with serine, which is neutral and polar, at codon 333 of the WDR1 protein (p.Gly333Ser). This variant is present in population databases (rs758001342, gnomAD 0.006%). This variant has not been reported in the literature in individuals affected with WDR1-related conditions. ClinVar contains an entry for this variant (Variation ID: 1421117). An algorithm developed to predict the effect of missense changes on protein structure and function (PolyPhen-2) suggests that this variant¬†is likely to be tolerated. In summary, the available evidence is currently insufficient to determine the role of this variant in disease. Therefore, it has been classified as a Variant of Uncertain Significance.

Ambry Genetics
Classification: Uncertain significance for Inborn genetic diseases. Last evaluated: 2021-07-21. Review status: criteria provided, single submitter. Criteria: Ambry Variant Classification Scheme 2023. Collection method: clinical testing. Allele origin: germline.